The following is an entry in ClinVar:

NM_000492.4(CFTR):c.470_483del (p.Met156_Phe157insTer)

Gene: CFTR (CF transmembrane conductance regulator; plus strand). Cytogenetic location: 7q31.2.
Variant type: Deletion.
Coding change: c.470_483del on transcript NM_000492.4 (MANE Select); coding-DNA positions 470 to 483, 14 bases deleted (TTAGTTTGATTTAT).
Protein change: p.Met156_Phe157insTer.
Molecular consequence: nonsense.
Genome position (GRCh38, 1-based): chr7:117,531,095-117,531,108, TTAGTTTGATTTAT deleted; deleting any 14 consecutive bases within chr7:117,531,094-117,531,108 gives the same sequence; the c. name uses the placement nearest the transcript's 3' end. VCF-style (leftmost placement, unchanged base first): chr7-117531093-GTTTAGTTTGATTTA-G. GRCh37 (hg19) VCF-style: chr7-117171147-GTTTAGTTTGATTTA-G.
Other names: p.Phe157*; c.470_483del (NM_000492.3); c.470_483delTTAGTTTGATTTAT (NM_000492.3); c.470_483del14 (NM_000492.3).
Identifiers: ClinVar variation 487384 (VCV000487384.11), dbSNP rs1554379887, ClinGen allele CA658656006.

ClinVar aggregate classification (germline): Pathogenic. Review status: reviewed by expert panel (3 of 4 stars). 5 submissions from 5 submitters: Pathogenic (1). 4 of the submissions do not count toward it. Last evaluated 2017-03-17.

Conditions:
Cystic fibrosis (CF). Also called: MUCOVISCIDOSIS. Identifiers: Orphanet 586, MedGen C0010674, MONDO:0009061, OMIM 219700. Disease mechanism: loss of function.

Submissions (5):

CFTR2
Classification: Pathogenic for Cystic fibrosis. Last evaluated: 2017-03-17. Review status: reviewed by expert panel. Criteria: Sosnay PR et al. (Nat Genet 2013). Collection method: research. Allele origin: germline. Affected: yes. Study: CFTR2.

Labcorp Genetics (formerly Invitae), Labcorp
Classification: Pathogenic for Cystic fibrosis. Last evaluated: 2022-12-31. Review status: criteria provided, single submitter. Criteria: Invitae Variant Classification Sherloc (09022015). Collection method: clinical testing. Allele origin: germline. Not counted in ClinVar's aggregate classification.
Comment: This premature translational stop signal has been observed in individual(s) with CFTR-related conditions (PMID: 23974870). This sequence change creates a premature translational stop signal (p.Phe157*) in the CFTR gene. It is expected to result in an absent or disrupted protein product. Loss-of-function variants in CFTR are known to be pathogenic (PMID: 1695717, 7691345, 9725922). This variant is not present in population databases (gnomAD no frequency). ClinVar contains an entry for this variant (Variation ID: 487384). Algorithms developed to predict the effect of sequence changes on RNA splicing suggest that this variant may disrupt the consensus splice site. For these reasons, this variant has been classified as Pathogenic.

Mayo Clinic Laboratories, Mayo Clinic
Classification: Pathogenic. Last evaluated: 2022-12-23. Review status: criteria provided, single submitter. Criteria: ACMG Guidelines, 2015. Collection method: clinical testing. Allele origin: germline. Observed: 2 variant alleles. Not counted in ClinVar's aggregate classification.
Comment: PP5, PM2, PVS1

Natera, Inc.
Classification: Pathogenic for Cystic Fibrosis. Last evaluated: 2020-09-16. Review status: no assertion criteria provided. Collection method: clinical testing. Allele origin: germline. Not counted in ClinVar's aggregate classification.

Counsyl
Classification: Pathogenic for Cystic fibrosis. Last evaluated: 2017-08-01. Review status: no assertion criteria provided. Collection method: clinical testing. Allele origin: unknown. Not counted in ClinVar's aggregate classification.

Literature cited by the submitters: PubMed 23974870 (cited by Labcorp Genetics (formerly Invitae), Labcorp); PubMed 1695717 (cited by Labcorp Genetics (formerly Invitae), Labcorp); PubMed 7691345 (cited by Labcorp Genetics (formerly Invitae), Labcorp); PubMed 9725922 (cited by Labcorp Genetics (formerly Invitae), Labcorp); PubMed 31036917 (cited by Mayo Clinic Laboratories, Mayo Clinic); PubMed 34782259 (cited by Mayo Clinic Laboratories, Mayo Clinic); PubMed 26708955 (cited by Counsyl).